The following is an entry in ClinVar:

ClinVar aggregate classification (germline): Benign. Review status: criteria provided, multiple submitters, no conflicts (2 of 4 stars). 2 submissions from 2 submitters: Benign (2). Last evaluated 2018-06-14.

Allele frequency attached by ClinVar (database versions not stated): 1000 Genomes Project 0.05631; 1000 Genomes Project 30x 0.05700; gnomAD 0.06328 and 0.06531; TOPMed 0.06767.
gnomAD v4.1: 65,368 of 1,372,066 alleles (4.8%); highest among the groups gnomAD compares: African/African-American, 11%; 1,918 homozygotes.

Submissions (2):

GeneDx
Classification: Benign. Last evaluated: 2018-06-14. Review status: criteria provided, single submitter. Criteria: GeneDx Variant Classification (06012015). Collection method: clinical testing. Allele origin: germline. Affected: yes.
Comment: This variant is considered likely benign or benign based on one or more of the following criteria: it is a conservative change, it occurs at a poorly conserved position in the protein, it is predicted to be benign by multiple in silico algorithms, and/or has population frequency not consistent with disease.

Breakthrough Genomics
Classification: Benign. Review status: criteria provided, single submitter. Criteria: ACMG Guidelines, 2015. Collection method: not provided. Allele origin: germline. Inheritance: Autosomal recessive inheritance. Affected: yes.

NM_001130987.2(DYSF):c.951+83C>T

Gene: DYSF (dysferlin; plus strand). Cytogenetic location: 2p13.2.
Variant type: single nucleotide variant.
Coding change: c.951+83C>T on transcript NM_001130987.2 (MANE Select); 83 bases into the intron after coding-DNA position 951, C replaced by T.
Molecular consequence: intron variant.
Genome position (GRCh38, 1-based): chr2:71,516,325, C>T. VCF-style: chr2-71516325-C-T. GRCh37 (hg19) VCF-style: chr2-71743455-C-T.
Other names: c.948+83C>T (NM_001130979.2, NM_001130981.2, NM_001130980.2); c.855+83C>T (NM_001130978.2, NM_003494.4, NM_001130977.2 and 1 more transcripts); c.951+83C>T (NM_001130982.2, NM_001130985.2); c.858+83C>T (NM_001130983.2, NM_001130455.2, NM_001130984.2 and 1 more transcripts).
Identifiers: ClinVar variation 677485 (VCV000677485.2), dbSNP rs11898499, ClinGen allele CA11118015.